The following is an entry in ClinVar:

ClinVar aggregate classification (germline): Likely benign (0 of 4 stars; one submission).

Conditions:
HPRT1-related disorder. Also called: HPRT1-related condition; HPRT1-related disorders.

Submission:

PreventionGenetics, part of Exact Sciences
Classification: Likely benign for HPRT1-related condition. Last evaluated: 2024-02-05. Review status: no assertion criteria provided. Collection method: clinical testing. Allele origin: germline.
Comment: This variant is classified as likely benign based on ACMG/AMP sequence variant interpretation guidelines (Richards et al. 2015 PMID: 25741868, with internal and published modifications).

NM_000194.3(HPRT1):c.319-9_319-7dup

Gene: HPRT1 (hypoxanthine phosphoribosyltransferase 1; plus strand). Cytogenetic location: Xq26.2.
Variant type: Duplication.
Coding change: c.319-9_319-7dup on transcript NM_000194.3 (MANE Select); 9 bases into the intron before coding-DNA position 319 through 7 bases into the intron before coding-DNA position 319, 3 bases duplicated (TTT; older notation c.319-9_319-7dupTTT).
Molecular consequence: intron variant.
Genome position (GRCh38, 1-based): chrX:134,486,456-134,486,458, TTT duplicated; duplicating any 3 consecutive bases within chrX:134,486,445-134,486,458 gives the same sequence; the c. name uses the placement nearest the transcript's 3' end. VCF-style (leftmost placement, unchanged base first): chrX-134486444-G-GTTT. GRCh37 (hg19) VCF-style: chrX-133620474-G-GTTT.
Identifiers: ClinVar variation 3033937 (VCV003033937.2), dbSNP rs371480320, ClinGen allele CA10521361.